The following is an entry in ClinVar:

ClinVar aggregate classification (germline): Uncertain significance (1 of 4 stars; one submission).

Conditions:
Developmental and epileptic encephalopathy, 46 (DEE46). Also called: GRIN2D-Related Developmental and Epileptic Encephalopathy; Epileptic encephalopathy, early infantile, 46. Identifiers: MedGen C4310687, MONDO:0014947, OMIM 617162.

Submission:

Juno Genomics, Hangzhou Juno Genomics, Inc
Classification: Uncertain significance for Developmental and epileptic encephalopathy, 46. Review status: criteria provided, single submitter. Criteria: ACMG Guidelines, 2015. Collection method: clinical testing. Allele origin: germline.
Comment: Absent from controls (or at extremely low frequency if recessive) in Genome Aggregation Database.;Protein length changes due to in-frame deletions/insertions in a non-repeat region or stop-loss variants.

NM_000836.4(GRIN2D):c.3630_3632del (p.Pro1213del)

Gene: GRIN2D (glutamate ionotropic receptor NMDA type subunit 2D; plus strand). Cytogenetic location: 19q13.33.
Variant type: Deletion.
Coding change: c.3630_3632del on transcript NM_000836.4 (MANE Select); coding-DNA positions 3630 to 3632, 3 bases deleted (GCC; older notation c.3630_3632delGCC).
Protein change: p.Pro1213del; deletes proline 1213.
Molecular consequence: inframe deletion.
Genome position (GRCh38, 1-based): chr19:48,443,556-48,443,558, GCC deleted; deleting any 3 consecutive bases within chr19:48,443,554-48,443,558 gives the same sequence; the c. name uses the placement nearest the transcript's 3' end. VCF-style (leftmost placement, unchanged base first): chr19-48443553-ACCG-A. GRCh37 (hg19) VCF-style: chr19-48946810-ACCG-A.
Other names: short protein forms P1213del.
Identifiers: ClinVar variation 5006013 (VCV005006013.2).